The following is an entry in ClinVar:

ClinVar aggregate classification (germline): Pathogenic/Likely pathogenic. Review status: criteria provided, multiple submitters, no conflicts (2 of 4 stars). 16 submissions from 16 submitters: Pathogenic (12); Likely pathogenic (1). 3 of the submissions do not count toward it. Last evaluated 2026-01-25.

Conditions:
TRAPPC11-related disorder. Also called: TRAPPC11-related condition.
Muscular dystrophy, limb-girdle, autosomal recessive 23. Identifiers: Orphanet 565837, MedGen C4748327, MONDO:0029136, OMIM 618138.
Autosomal recessive limb-girdle muscular dystrophy type R18 (LGMDR18). Also called: Limb-girdle muscular dystrophy, type 2S; Autosomal recessive limb-girdle muscular dystrophy type 2S; MUSCULAR DYSTROPHY, LIMB-GIRDLE, AUTOSOMAL RECESSIVE 18. Identifiers: Orphanet 369840, MedGen C4517996, MONDO:0014144, OMIM 615356.

Allele frequency attached by ClinVar (database versions not stated): ExAC 0.00002; gnomAD 0.00004; gnomAD exomes 0.00004 and 0.00006; TOPMed 0.00002.
gnomAD v4.1: 62 of 1,613,224 alleles (0.0038%); highest among the groups gnomAD compares: Non-Finnish European, 0.0046%; no homozygotes.

Submissions (16):

PreventionGenetics, part of Exact Sciences
Classification: Pathogenic for TRAPPC11-related condition. Last evaluated: 2026-01-25. Review status: criteria provided, single submitter. Criteria: ACMG Guidelines, 2015. Collection method: clinical testing. Allele origin: germline.
Comment: The TRAPPC11 c.1287+5G>A variant is predicted to interfere with splicing. This variant has been reported in the homozygous and compound heterozygous state in several unrelated individuals with autosomal recessive limb girdle muscular dystrophy type 2S (Bögershausen et al. 2013. PubMed ID: 23830518; Popp et al. 2017. PubMed ID: 29158550; Milev et al. 2019. PubMed ID: 31575891). Functional studies indicate that this variant affects membrane trafficking and formation of autophagosomes (Bögershausen et al. 2013. PubMed ID: 23830518; Milev et al. 2019. PubMed ID: 31575891A). This variant has been classified as pathogenic or likely pathogenic by multiple independent submitters to the ClinVar database. This variant is reported in 0.0093% of alleles in individuals of European (Non-Finnish) descent in gnomAD. In summary, we categorize the c.1287+5G>A variant as pathogenic.

Labcorp Genetics (formerly Invitae), Labcorp
Classification: Pathogenic for Autosomal recessive limb-girdle muscular dystrophy type R18. Last evaluated: 2026-01-11. Review status: criteria provided, single submitter. Criteria: Invitae Variant Classification Sherloc (09022015). Collection method: clinical testing. Allele origin: germline.
Comment: This sequence change falls in intron 12 of the TRAPPC11 gene. It does not directly change the encoded amino acid sequence of the TRAPPC11 protein. RNA analysis indicates that this variant induces altered splicing and likely results in a shortened protein product. This variant is present in population databases (rs397509418, gnomAD 0.009%). This variant has been observed in individuals with autosomal recessive limb-girdle muscular dystrophy and/or movement disorder and intellectual disability (PMID: 23830518, 29158550). It has also been observed to segregate with disease in related individuals. ClinVar contains an entry for this variant (Variation ID: 60511). Variants that disrupt the consensus splice site are a relatively common cause of aberrant splicing (PMID: 17576681, 9536098). Studies have shown that this variant results in skipping of exons 11-12, but is expected to preserve the integrity of the reading-frame (PMID: 23830518). For these reasons, this variant has been classified as Pathogenic.

Blueprint Genetics
Classification: Pathogenic for TRAPPC11-related disorders. Last evaluated: 2024-11-13. Review status: criteria provided, single submitter. Criteria: ACMG Guidelines, 2015. Collection method: clinical testing. Allele origin: germline. Affected: yes. Observed: 5 variant alleles.

Revvity Omics, Revvity
Classification: Pathogenic for Autosomal recessive limb-girdle muscular dystrophy type R18. Last evaluated: 2024-04-03. Review status: criteria provided, single submitter. Criteria: ACMG Guidelines, 2015. Collection method: clinical testing. Allele origin: germline.

3billion
Classification: Pathogenic for Autosomal recessive limb-girdle muscular dystrophy type R18. Last evaluated: 2023-06-02. Review status: criteria provided, single submitter. Criteria: ACMG Guidelines, 2015. Collection method: clinical testing. Allele origin: germline. Affected: yes.
Comment: The variant is observed at an extremely low frequency in the gnomAD v2.1.1 dataset (total allele frequency: 0.005%). Predicted Consequence/Location: Intron variant Functional studies provide strong evidence of the variant having a damaging effect on the gene or gene product (PMID: 23830518). In silico tools predict the variant to alter splicing and produce an abnormal transcript (SpliceAI: 0.65). The variant has been reported to be in trans with a pathogenic variant as either compound heterozygous or homozygous in at least one similarly affected unrelated individual (PMID: 23830518). The variant has been reported at least twice as pathogenic with clinical assertions and evidence for the classification (ClinVar ID: VCV000060511 /PMID: 23830518). Therefore, this variant is classified as Pathogenic according to the recommendation of ACMG/AMP guideline.

GeneDx
Classification: Pathogenic. Last evaluated: 2022-02-07. Review status: criteria provided, single submitter. Criteria: GeneDx Variant Classification Process June 2021. Collection method: clinical testing. Allele origin: germline. Affected: yes.
Comment: Published functional studies demonstrate disruption of the Golgi apparatus architecture and impaired the binding ability of TRAPPC11 to TRAPPC2 (Bogershausen et al., 2013); Not observed at significant frequency in large population cohorts (gnomAD); Intronic +5 splice site variant in a gene for which loss-of-function is a known mechanism of disease, and splice predictors support a deleterious effect; This variant is associated with the following publications: (PMID: 26322222, 24843229, 23830518, 29158550, 31575891, 32528171, 34426522, 25697177)

Institute of Medical Genetics and Applied Genomics, University Hospital Tübingen
Classification: Pathogenic. Last evaluated: 2020-10-23. Review status: criteria provided, single submitter. Criteria: ACMG Guidelines, 2015. Collection method: clinical testing. Allele origin: germline. Inheritance: Unknown mechanism. Affected: yes.

Broad Center for Mendelian Genomics, Broad Institute of MIT and Harvard
Classification: Pathogenic for Muscular dystrophy, limb-girdle, autosomal recessive 23. Last evaluated: 2020-05-29. Review status: criteria provided, single submitter. Criteria: ACMG Guidelines, 2015. Collection method: research. Allele origin: germline. Inheritance: Autosomal recessive inheritance.
Comment: The variant in TRAPPC11 has been reported in at least 5 Syrian individuals with limb-girdle muscular dystrophy (PMID: 23830518, 31575891), segregated with disease in 3 affected relatives from 2 families (PMID: 23830518), and has been identified in 0.009% (12/129080) of European (Non-Finnish) chromosomes by the Genome Aggregation Database (gnomAD; dbSNP rs397509418). Although this variant has been seen in the general population, its frequency is low enough to be consistent with a recessive carrier frequency. This variant has also been reported in ClinVar as pathogenic/likely pathogenic by multiple submitters (Variation ID: 60511). In vitro functional studies provide some evidence that the variant may impact protein function (PMID: 23830518). However, these types of assays may not accurately represent biological function. Computational prediction tools and conservation analyses suggest that this variant may impact the protein, though this information is not predictive enough to determine pathogenicity. In summary, this variant meets criteria to be classified as pathogenic for limb-girdle muscular dystrophy in an autosomal recessive manner based on the predicted impact of the variant and multiple homozygous occurrences in individuals with limb-girdle muscular dystrophy, as well as co-segregations with disease in multiple affected family members in two families. ACMG/AMP Criteria applied: PP1_strong, PM2, PS3_moderate, PP3, PM3 (Richards 2015).

CeGaT Center for Human Genetics Tuebingen
Classification: Pathogenic. Last evaluated: 2019-10-01. Review status: criteria provided, single submitter. Criteria: CeGaT Center For Human Genetics Tuebingen Variant Classification Criteria Version 2. Collection method: clinical testing. Allele origin: germline. Affected: yes. Observed: 3 variant alleles.

Fulgent Genetics
Classification: Likely pathogenic for Autosomal recessive limb-girdle muscular dystrophy type R18. Last evaluated: 2018-10-31. Review status: criteria provided, single submitter. Criteria: ACMG Guidelines, 2015. Collection method: clinical testing. Allele origin: unknown.

Institute of Human Genetics Munich, TUM University Hospital
Classification: Pathogenic for Autosomal recessive limb-girdle muscular dystrophy type R18. Last evaluated: 2017-12-07. Review status: criteria provided, single submitter. Criteria: Classification criteria August 2017. Collection method: clinical testing. Allele origin: inherited. Inheritance: Autosomal recessive inheritance. Affected: yes. Observed: 1 homozygote.

Institute of Human Genetics, FAU Erlangen, Friedrich-Alexander-Universität Erlangen-Nürnberg
Classification: Pathogenic for Autosomal recessive limb-girdle muscular dystrophy type R18. Last evaluated: 2017-08-01. Review status: criteria provided, single submitter. Criteria: ACMG Guidelines, 2015. Collection method: clinical testing. Allele origin: biparental. Inheritance: Autosomal recessive inheritance. Affected: yes. Observed: 1 variant allele, 1 homozygote.

Clinical Genetics Service, Universitary Hospital 12 de Octubre
Classification: Pathogenic for Autosomal recessive limb-girdle muscular dystrophy type R18. Review status: criteria provided, single submitter. Criteria: ACMG Guidelines, 2015. Collection method: clinical testing. Allele origin: germline. Affected: yes.

OMIM
Classification: Pathogenic for MUSCULAR DYSTROPHY, LIMB-GIRDLE, AUTOSOMAL RECESSIVE 18. Last evaluated: 2013-07-11. Review status: no assertion criteria provided. Collection method: literature only. Allele origin: germline. Not counted in ClinVar's aggregate classification.

Genome Diagnostics Laboratory, Amsterdam University Medical Center
Classification: Likely pathogenic. Review status: no assertion criteria provided. Collection method: clinical testing. Allele origin: germline. Affected: yes. Study: VKGL Data-share Consensus. Not counted in ClinVar's aggregate classification.

Genome Diagnostics Laboratory, University Medical Center Utrecht
Classification: Likely pathogenic. Review status: no assertion criteria provided. Collection method: clinical testing. Allele origin: germline. Affected: yes. Study: VKGL Data-share Consensus. Not counted in ClinVar's aggregate classification.

Literature cited by the submitters: PubMed 23830518 (cited by 4 submitters); PubMed 29158550 (cited by Labcorp Genetics (formerly Invitae), Labcorp); PubMed 17576681 (cited by Labcorp Genetics (formerly Invitae), Labcorp); PubMed 9536098 (cited by Labcorp Genetics (formerly Invitae), Labcorp); PubMed 31575891 (cited by Broad Center for Mendelian Genomics, Broad Institute of MIT and Harvard).

NM_021942.6(TRAPPC11):c.1287+5G>A

Gene: TRAPPC11 (trafficking protein particle complex subunit 11; plus strand). Cytogenetic location: 4q35.1.
Variant type: single nucleotide variant.
Coding change: c.1287+5G>A on transcript NM_021942.6 (MANE Select); 5 bases into the intron after coding-DNA position 1287, G replaced by A.
Molecular consequence: intron variant.
Genome position (GRCh38, 1-based): chr4:183,684,059, G>A. VCF-style: chr4-183684059-G-A. GRCh37 (hg19) VCF-style: chr4-184605212-G-A.
Other names: IVS12DS, G-A, +5; c.1287+5G>A (NM_199053.3).
Identifiers: ClinVar variation 60511 (VCV000060511.69), dbSNP rs397509418, ClinGen allele CA144540.